The following is an entry in ClinVar:

ClinVar aggregate classification (germline): Uncertain significance. Review status: criteria provided, multiple submitters, no conflicts (2 of 4 stars). 6 submissions from 6 submitters: Uncertain significance (6). Last evaluated 2025-12-22.

Conditions:
Classic or attenuated familial adenomatous polyposis. Identifiers: MedGen CN372698, MONDO:0021057.
Hereditary cancer-predisposing syndrome. Also called: Tumor predisposition; Hereditary Cancer Syndrome; Hereditary neoplastic syndrome; Neoplastic Syndromes, Hereditary. Identifiers: Orphanet 140162, MedGen C0027672, MeSH D009386, MONDO:0015356.
Familial adenomatous polyposis 1 (FAP1). Also called: FAMILIAL ADENOMATOUS POLYPOSIS 1, ATTENUATED; POLYPOSIS, ADENOMATOUS INTESTINAL. Identifiers: MedGen C2713442, MONDO:0021056, OMIM 175100. Disease mechanism: loss of function.

Allele frequency attached by ClinVar (database versions not stated): gnomAD exomes below 0.00001; TOPMed 0.00001.
gnomAD v4.1: 7 of 1,614,240 alleles (0.00043%); highest among the groups gnomAD compares: Admixed American, 0.0017%; no homozygotes.

Submissions (6):

Labcorp Genetics (formerly Invitae), Labcorp
Classification: Uncertain significance for Familial adenomatous polyposis 1. Last evaluated: 2025-12-22. Review status: criteria provided, single submitter. Criteria: Invitae Variant Classification Sherloc (09022015). Collection method: clinical testing. Allele origin: germline.
Comment: This sequence change replaces tyrosine, which is neutral and polar, with cysteine, which is neutral and slightly polar, at codon 986 of the APC protein (p.Tyr986Cys). This variant is present in population databases (rs730881243, gnomAD 0.003%). This variant has not been reported in the literature in individuals affected with APC-related conditions. ClinVar contains an entry for this variant (Variation ID: 181797). Invitae Evidence Modeling of protein sequence and biophysical properties (such as structural, functional, and spatial information, amino acid conservation, physicochemical variation, residue mobility, and thermodynamic stability) indicates that this missense variant is not expected to disrupt APC protein function with a negative predictive value of 95%. In summary, the available evidence is currently insufficient to determine the role of this variant in disease. Therefore, it has been classified as a Variant of Uncertain Significance.

GeneDx
Classification: Uncertain significance. Last evaluated: 2024-09-11. Review status: criteria provided, single submitter. Criteria: GeneDx Variant Classification Process June 2021. Collection method: clinical testing. Allele origin: germline. Affected: yes.
Comment: Not observed at significant frequency in large population cohorts (gnomAD); In silico analysis indicates that this missense variant does not alter protein structure/function; Observed in individual(s) with breast cancer (PMID: 25186627); This variant is associated with the following publications: (PMID: 25186627)

All of Us Research Program, National Institutes of Health
Classification: Uncertain significance for Classic or attenuated familial adenomatous polyposis. Last evaluated: 2024-01-11. Review status: criteria provided, single submitter. Criteria: ACMG Guidelines, 2015. Collection method: clinical testing. Allele origin: germline. Inheritance: Autosomal dominant inheritance. Observed: 3 variant alleles, 3 heterozygotes.
Comment: This missense variant replaces tyrosine with cysteine at codon 986 of the APC protein. Computational prediction suggests that this variant may not impact protein structure and function (internally defined REVEL score threshold <= 0.5, PMID: 27666373). To our knowledge, functional studies have not been reported for this variant. This variant has not been reported in individuals affected with hereditary cancer in the literature. This variant has been identified in 1/251300 chromosomes in the general population by the Genome Aggregation Database (gnomAD). The available evidence is insufficient to determine the role of this variant in disease conclusively. Therefore, this variant is classified as a Variant of Uncertain Significance.

This study involves interpretation of variants in research participants for the purpose of population health screening. Participant phenotype was not available at the time of variant classification. Additional details can be found in publication PMID: 35346344, PMCID: PMC8962531

Ambry Genetics
Classification: Uncertain significance for Hereditary cancer-predisposing syndrome. Last evaluated: 2023-12-26. Review status: criteria provided, single submitter. Criteria: Ambry Variant Classification Scheme 2023. Collection method: clinical testing. Allele origin: germline.
Comment: The p.Y986C variant (also known as c.2957A>G), located in coding exon 15 of the APC gene, results from an A to G substitution at nucleotide position 2957. The tyrosine at codon 986 is replaced by cysteine, an amino acid with highly dissimilar properties. This amino acid position is highly conserved in available vertebrate species. In addition, in silico predictors for this gene do not accurately predict pathogenicity. Since supporting evidence is limited at this time, the clinical significance of this alteration remains unclear.

Baylor Genetics
Classification: Uncertain significance for Familial adenomatous polyposis 1. Last evaluated: 2023-05-30. Review status: criteria provided, single submitter. Criteria: ACMG Guidelines, 2015. Collection method: clinical testing. Allele origin: unknown.

Color Diagnostics, LLC DBA Color Health
Classification: Uncertain significance for Hereditary cancer-predisposing syndrome. Last evaluated: 2022-10-11. Review status: criteria provided, single submitter. Criteria: ACMG Guidelines, 2015. Collection method: clinical testing. Allele origin: germline.
Comment: This missense variant replaces tyrosine with cysteine at codon 986 of the APC protein. Computational prediction suggests that this variant may not impact protein structure and function (internally defined REVEL score threshold <= 0.5, PMID: 27666373). To our knowledge, functional studies have not been reported for this variant. This variant has not been reported in individuals affected with hereditary cancer in the literature. This variant has been identified in 1/251300 chromosomes in the general population by the Genome Aggregation Database (gnomAD). The available evidence is insufficient to determine the role of this variant in disease conclusively. Therefore, this variant is classified as a Variant of Uncertain Significance.

Literature cited by the submitters: PubMed 25186627 (cited by Ambry Genetics).

NM_000038.6(APC):c.2957A>G (p.Tyr986Cys)

Gene: APC (APC regulator of Wnt signaling pathway; plus strand). Cytogenetic location: 5q22.2.
Variant type: single nucleotide variant.
Coding change: c.2957A>G on transcript NM_000038.6 (MANE Select); coding-DNA position 2957, A replaced by G.
Protein change: p.Tyr986Cys; replaces tyrosine 986 with cysteine.
Molecular consequence: missense variant.
Genome position (GRCh38, 1-based): chr5:112,838,551, A>G. VCF-style: chr5-112838551-A-G. GRCh37 (hg19) VCF-style: chr5-112174248-A-G.
Other names: p.Y986C:TAT>TGT; c.2957A>G, p.Tyr986Cys (NM_001127510.3, NM_001354895.2); c.2903A>G, p.Tyr968Cys (NM_001127511.3); c.3011A>G, p.Tyr1004Cys (NM_001354896.2); c.2987A>G, p.Tyr996Cys (NM_001354897.2); c.2882A>G, p.Tyr961Cys (NM_001354898.2); c.2873A>G, p.Tyr958Cys (NM_001354899.2); c.2834A>G, p.Tyr945Cys (NM_001354900.2); and 6 more; short protein forms Y968C, Y986C, Y1004C, Y860C, Y895C, Y945C, Y958C, Y826C.
Identifiers: ClinVar variation 181797 (VCV000181797.61), dbSNP rs730881243, ClinGen allele CA007940.